The following is an entry in ClinVar:

NC_000008.11:g.(?_99102953)_(99170163_?)del

Gene: VPS13B (vacuolar protein sorting 13 homolog B; plus strand). Cytogenetic location: 8q22.2.
Variant type: Deletion.
Identifiers: ClinVar variation 831045 (VCV000831045.4).

ClinVar aggregate classification (germline): Pathogenic (1 of 4 stars; one submission).

Conditions:
Cohen syndrome (COH1). Also called: Cutis verticis gyrata, retinitis pigmentosa, and sensorineural deafness; PEPPER SYNDROME. Identifiers: Orphanet 193, MedGen C0265223, MONDO:0008999, OMIM 216550.

Submission:

Labcorp Genetics (formerly Invitae), Labcorp
Classification: Pathogenic for Cohen syndrome. Last evaluated: 2019-10-25. Review status: criteria provided, single submitter. Criteria: Invitae Variant Classification Sherloc (09022015). Collection method: clinical testing. Allele origin: germline.
Comment: This variant is an out-of-frame deletion of the genomic region encompassing exons 5-16 of the VPS13B gene. This is expected to create a premature translational stop signal and result in an absent or disrupted protein product. This variant has not been reported in the literature in individuals with VPS13B-related conditions. Loss-of-function variants in VPS13B are known to be pathogenic (PMID: 15141358, 16648375, 20461111). For these reasons, this variant has been classified as Pathogenic.

Literature cited by the submitters: PubMed 15141358; PubMed 16648375; PubMed 20461111.